The following is an entry in ClinVar:

ClinVar aggregate classification (germline): Pathogenic (1 of 4 stars; one submission).

Submission:

Labcorp Genetics (formerly Invitae), Labcorp
Classification: Pathogenic. Last evaluated: 2022-05-01. Review status: criteria provided, single submitter. Criteria: Invitae Variant Classification Sherloc (09022015). Collection method: clinical testing. Allele origin: germline.
Comment: This variant has not been reported in the literature in individuals affected with KMT2B-related conditions. For these reasons, this variant has been classified as Pathogenic. This variant is not present in population databases (gnomAD no frequency). This sequence change creates a premature translational stop signal (p.Gln734Glyfs*111) in the KMT2B gene. It is expected to result in an absent or disrupted protein product. Loss-of-function variants in KMT2B are known to be pathogenic (PMID: 27839873, 27992417).

Literature cited by the submitters: PubMed 27839873; PubMed 27992417.

NM_014727.3(KMT2B):c.2200_2201del (p.Gln734fs)

Gene: KMT2B (lysine methyltransferase 2B; plus strand). Cytogenetic location: 19q13.12.
Variant type: Microsatellite.
Coding change: c.2200_2201del on transcript NM_014727.3 (MANE Select); coding-DNA positions 2200 to 2201, 2 bases deleted (CA; older notation c.2200_2201delCA).
Protein change: p.Gln734fs; shifts the reading frame from glutamine 734.
Molecular consequence: frameshift variant.
Genome position (GRCh38, 1-based): chr19:35,721,547-35,721,548, CA deleted; deleting any 2 consecutive bases within chr19:35,721,544-35,721,548 gives the same sequence; the c. name uses the placement nearest the transcript's 3' end. VCF-style (leftmost placement, unchanged base first): chr19-35721543-GAC-G. GRCh37 (hg19) VCF-style: chr19-36212445-GAC-G.
Other names: short protein forms Q734fs.
Identifiers: ClinVar variation 2132480 (VCV002132480.4), dbSNP rs2513318484, ClinGen allele CA2580613109.